The following is an entry in ClinVar:

NM_152424.4(AMER1):c.2954G>A (p.Ser985Asn)

Gene: AMER1 (APC membrane recruitment protein 1; minus strand). Cytogenetic location: Xq11.2.
Variant type: single nucleotide variant.
Coding change: c.2954G>A on transcript NM_152424.4 (MANE Select); coding-DNA position 2954, G replaced by A.
Protein change: p.Ser985Asn; replaces serine 985 with asparagine.
Molecular consequence: missense variant.
Genome position (GRCh38, 1-based): chrX:64,190,333, C>T on the plus strand (G>A on the coding strand, the complement: AMER1 is on the minus strand). VCF-style: chrX-64190333-C-T. GRCh37 (hg19) VCF-style: chrX-63410213-C-T.
Other names: short protein forms S985N.
Identifiers: ClinVar variation 2988031 (VCV002988031.3), dbSNP rs1187930100, ClinGen allele CA413301819.

ClinVar aggregate classification (germline): Uncertain significance (1 of 4 stars; one submission).

Submission:

Labcorp Genetics (formerly Invitae), Labcorp
Classification: Uncertain significance. Last evaluated: 2023-10-05. Review status: criteria provided, single submitter. Criteria: Invitae Variant Classification Sherloc (09022015). Collection method: clinical testing. Allele origin: germline.
Comment: This sequence change replaces serine, which is neutral and polar, with asparagine, which is neutral and polar, at codon 985 of the AMER1 protein (p.Ser985Asn). This variant is not present in population databases (gnomAD no frequency). This variant has not been reported in the literature in individuals affected with AMER1-related conditions. Algorithms developed to predict the effect of missense changes on protein structure and function output the following: SIFT: "Not Available"; PolyPhen-2: "Benign"; Align-GVGD: "Not Available". The asparagine amino acid residue is found in multiple mammalian species, which suggests that this missense change does not adversely affect protein function. In summary, the available evidence is currently insufficient to determine the role of this variant in disease. Therefore, it has been classified as a Variant of Uncertain Significance.